The following is an entry in ClinVar:

ClinVar aggregate classification (germline): Uncertain significance (1 of 4 stars; one submission).

Conditions:
Adams-Oliver syndrome 5 (AOS5). Identifiers: Orphanet 974, MedGen C4014970, MONDO:0014459, OMIM 616028.

Submission:

Labcorp Genetics (formerly Invitae), Labcorp
Classification: Uncertain significance for Adams-Oliver syndrome 5. Last evaluated: 2024-10-12. Review status: criteria provided, single submitter. Criteria: Invitae Variant Classification Sherloc (09022015). Collection method: clinical testing. Allele origin: germline.
Comment: This sequence change replaces isoleucine, which is neutral and non-polar, with valine, which is neutral and non-polar, at codon 1220 of the NOTCH1 protein (p.Ile1220Val). This variant is not present in population databases (gnomAD no frequency). This variant has not been reported in the literature in individuals affected with NOTCH1-related conditions. Invitae Evidence Modeling of protein sequence and biophysical properties (such as structural, functional, and spatial information, amino acid conservation, physicochemical variation, residue mobility, and thermodynamic stability) indicates that this missense variant is not expected to disrupt NOTCH1 protein function with a negative predictive value of 95%. In summary, the available evidence is currently insufficient to determine the role of this variant in disease. Therefore, it has been classified as a Variant of Uncertain Significance.

NM_017617.5(NOTCH1):c.3658A>G (p.Ile1220Val)

Gene: NOTCH1 (notch receptor 1; minus strand). Cytogenetic location: 9q34.3.
Variant type: single nucleotide variant.
Coding change: c.3658A>G on transcript NM_017617.5 (MANE Select); coding-DNA position 3658, A replaced by G.
Protein change: p.Ile1220Val; replaces isoleucine 1220 with valine.
Molecular consequence: missense variant.
Genome position (GRCh38, 1-based): chr9:136,506,959, T>C on the plus strand (A>G on the coding strand, the complement: NOTCH1 is on the minus strand). VCF-style: chr9-136506959-T-C. GRCh37 (hg19) VCF-style: chr9-139401411-T-C.
Other names: short protein forms I1220V.
Identifiers: ClinVar variation 3635968 (VCV003635968.2).